The following is an entry in ClinVar:

NM_006269.2(RP1):c.324C>G (p.His108Gln)

Gene: RP1 (RP1 axonemal microtubule associated; plus strand). Cytogenetic location: 8q12.1.
Variant type: single nucleotide variant.
Coding change: c.324C>G on transcript NM_006269.2 (MANE Select); coding-DNA position 324, C replaced by G.
Protein change: p.His108Gln; replaces histidine 108 with glutamine.
Molecular consequence: missense variant.
Genome position (GRCh38, 1-based): chr8:54,621,290, C>G. VCF-style: chr8-54621290-C-G. GRCh37 (hg19) VCF-style: chr8-55533850-C-G.
Other names: c.324C>G, p.His108Gln (NM_001375654.1); short protein forms H108Q.
Identifiers: ClinVar variation 1010181 (VCV001010181.8), dbSNP rs141074157, ClinGen allele CA370986298.

ClinVar aggregate classification (germline): Uncertain significance (1 of 4 stars; one submission).

Allele frequency attached by ClinVar (database versions not stated): TOPMed 0.00001.
gnomAD v4.1: 1 of 1,613,830 alleles (0.000062%); highest among the groups gnomAD compares: African/African-American, 0.0013%; no homozygotes.

Submission:

Labcorp Genetics (formerly Invitae), Labcorp
Classification: Uncertain significance. Last evaluated: 2023-05-08. Review status: criteria provided, single submitter. Criteria: Invitae Variant Classification Sherloc (09022015). Collection method: clinical testing. Allele origin: germline.
Comment: In summary, the available evidence is currently insufficient to determine the role of this variant in disease. Therefore, it has been classified as a Variant of Uncertain Significance. An algorithm developed to predict the effect of missense changes on protein structure and function (PolyPhen-2) suggests that this variant is likely to be disruptive. ClinVar contains an entry for this variant (Variation ID: 1010181). This variant has not been reported in the literature in individuals affected with RP1-related conditions. This variant is not present in population databases (gnomAD no frequency). This sequence change replaces histidine, which is basic and polar, with glutamine, which is neutral and polar, at codon 108 of the RP1 protein (p.His108Gln).